The following is an entry in ClinVar:

ClinVar aggregate classification (germline): Uncertain significance (1 of 4 stars; one submission).

Submission:

GeneDx
Classification: Uncertain significance. Last evaluated: 2025-06-09. Review status: criteria provided, single submitter. Criteria: GeneDx Variant Classification Process June 2021. Collection method: clinical testing. Allele origin: germline. Affected: yes.
Comment: Not observed at significant frequency in large population cohorts (gnomAD); In silico analysis supports that this missense variant has a deleterious effect on protein structure/function; Has not been previously published as pathogenic or benign to our knowledge

NM_022552.5(DNMT3A):c.1535G>A (p.Gly512Glu)

Gene: DNMT3A (DNA methyltransferase 3 alpha; minus strand). Cytogenetic location: 2p23.3.
Variant type: single nucleotide variant.
Coding change: c.1535G>A on transcript NM_022552.5 (MANE Select); coding-DNA position 1535, G replaced by A.
Protein change: p.Gly512Glu; replaces glycine 512 with glutamic acid.
Molecular consequence: missense variant. On other transcripts: non-coding transcript variant (1).
Genome position (GRCh38, 1-based): chr2:25,245,272, C>T on the plus strand (G>A on the coding strand, the complement: DNMT3A is on the minus strand). VCF-style: chr2-25245272-C-T. GRCh37 (hg19) VCF-style: chr2-25468141-C-T.
Other names: c.1079G>A, p.Gly360Glu (NM_001320893.1); c.866G>A, p.Gly289Glu (NM_001375819.1); c.968G>A, p.Gly323Glu (NM_153759.3); c.1535G>A, p.Gly512Glu (NM_175629.2); short protein forms G289E, G323E, G360E, G512E.
Identifiers: ClinVar variation 4538070 (VCV004538070.1).